The following is an entry in ClinVar:

ClinVar aggregate classification (germline): Likely benign (1 of 4 stars; one submission).

Allele frequency attached by ClinVar (database versions not stated): 1000 Genomes Project 0.00319; 1000 Genomes Project 30x 0.00344; gnomAD 0.00423 and 0.00460; TOPMed 0.00450.
gnomAD v4.1: 641 of 152,292 alleles (0.42%); highest among the groups gnomAD compares: African/African-American, 1.5%; 3 homozygotes.

Submission:

GeneDx
Classification: Likely benign. Last evaluated: 2021-12-21. Review status: criteria provided, single submitter. Criteria: GeneDx Variant Classification Process June 2021. Collection method: clinical testing. Allele origin: germline. Affected: yes.
Comment: See Variant Classification Assertion Criteria.

NM_015295.3(SMCHD1):c.3801+209A>C

Gene: SMCHD1 (structural maintenance of chromosomes flexible hinge domain containing 1; plus strand). Cytogenetic location: 18p11.32.
Variant type: single nucleotide variant.
Coding change: c.3801+209A>C on transcript NM_015295.3 (MANE Select); 209 bases into the intron after coding-DNA position 3801, A replaced by C.
Molecular consequence: intron variant.
Genome position (GRCh38, 1-based): chr18:2,744,137, A>C. VCF-style: chr18-2744137-A-C. GRCh37 (hg19) VCF-style: chr18-2744135-A-C.
Identifiers: ClinVar variation 1693083 (VCV001693083.2), dbSNP rs116108559, ClinGen allele CA295478018.